The following is an entry in ClinVar:

NM_033453.4(ITPA):c.94C>A (p.Pro32Thr)

Gene: ITPA (inosine triphosphatase; plus strand). Cytogenetic location: 20p13.
Variant type: single nucleotide variant.
Coding change: c.94C>A on transcript NM_033453.4 (MANE Select); coding-DNA position 94, C replaced by A.
Protein change: p.Pro32Thr; replaces proline 32 with threonine.
Molecular consequence: missense variant. On other transcripts: 5 prime UTR variant (1), non-coding transcript variant (2), intron variant (4).
Genome position (GRCh38, 1-based): chr20:3,213,196, C>A. VCF-style: chr20-3213196-C-A. GRCh37 (hg19) VCF-style: chr20-3193842-C-A.
Other names: ITPA, PRO32THR (rs1127354); c.-244C>A (NM_001324237.2); c.94C>A, p.Pro32Thr (NM_001324240.2); c.43C>A, p.Pro15Thr (NM_181493.4); c.-274-62C>A (NM_001324238.2, NM_001324236.2, NM_001351739.2); c.67-789C>A (NM_001267623.2); short protein forms P32T, P15T.
Identifiers: ClinVar variation 14746 (VCV000014746.16), dbSNP rs1127354, ClinGen allele CA124292.

ClinVar aggregate classification (germline): drug response. Review status: reviewed by expert panel (3 of 4 stars). 6 submissions from 6 submitters: drug response (1). 5 of the submissions do not count toward it. Last evaluated 2021-03-24.

Conditions:
Inosine triphosphatase deficiency. Also called: INOSINE TRIPHOSPHATE PYROPHOSPHOHYDROLASE DEFICIENCY. Identifiers: MedGen C0342800, MONDO:0013461, OMIM 613850.
peginterferon alfa-2b and ribavirin response - Toxicity.

Allele frequency attached by ClinVar (database versions not stated): 1000 Genomes Project 0.08946; gnomAD 0.06423 and 0.06104; 1000 Genomes Project 30x 0.08745; ExAC 0.07710; TOPMed 0.06132; gnomAD exomes 0.07520.
gnomAD v4.1: 121,123 of 1,613,804 alleles (7.5%); highest among the groups gnomAD compares: East Asian, 16%; 5,117 homozygotes.

Submissions (6):

ClinPGx
Classification: drug response for peginterferon alfa-2b and ribavirin response - Toxicity. Last evaluated: 2021-03-24. Review status: reviewed by expert panel. Criteria: Pharmacogenomics knowledge for personalized medicine. Collection method: curation. Allele origin: germline. Affected: yes.
Comment: PharmGKB Level of Evidence 2B: Variants in Level 2B clinical annotations are not in PharmGKB’s Tier 1 VIPs. These clinical annotations describe variant-drug combinations with a moderate level of evidence supporting the association. For example, the association may be found in multiple cohorts, but there may be a minority of studies that do not support the majority assertion. Level 2B clinical annotations must be supported by at least two independent publications.

Drug is not necessarily used to treat response condition

Labcorp Genetics (formerly Invitae), Labcorp
Classification: Benign for Inosine triphosphatase deficiency. Last evaluated: 2026-02-04. Review status: criteria provided, single submitter. Criteria: Invitae Variant Classification Sherloc (09022015). Collection method: clinical testing. Allele origin: germline. Not counted in ClinVar's aggregate classification.

Mayo Clinic Laboratories, Mayo Clinic
Classification: Benign. Last evaluated: 2022-08-23. Review status: criteria provided, single submitter. Criteria: ACMG Guidelines, 2015. Collection method: clinical testing. Allele origin: germline. Observed: 33 variant alleles. Not counted in ClinVar's aggregate classification.
Comment: BA1

Women's Health and Genetics/Laboratory Corporation of America, LabCorp
Classification: Likely benign. Last evaluated: 2021-12-10. Review status: criteria provided, single submitter. Criteria: LabCorp Variant Classification Summary - May 2015. Collection method: clinical testing. Allele origin: germline. Not counted in ClinVar's aggregate classification.

GeneDx
Classification: Benign. Last evaluated: 2021-05-04. Review status: criteria provided, single submitter. Criteria: GeneDx Variant Classification Process June 2021. Collection method: clinical testing. Allele origin: germline. Affected: yes. Not counted in ClinVar's aggregate classification.
Comment: This variant is associated with the following publications: (PMID: 17113761, 22060550, 22613675, 19914375, 24621321, 23528839, 19631656, 25525159, 22939045, 20173735, 21659334, 19682085, 23547827, 20547162, 20637204, 12384777, 27703193, 26394463, 30106365, 19579612)

OMIM
Classification: Affects for INOSINE TRIPHOSPHATASE DEFICIENCY. Last evaluated: 2009-09-25. Review status: no assertion criteria provided. Collection method: literature only. Allele origin: germline. Not counted in ClinVar's aggregate classification.

Literature cited by the submitters: PubMed 20173735 (cited by ClinPGx); PubMed 20547162 (cited by ClinPGx); PubMed 20637204 (cited by ClinPGx); PubMed 21246582 (cited by ClinPGx); PubMed 21274861 (cited by ClinPGx); PubMed 21503919 (cited by ClinPGx); PubMed 23707372 (cited by ClinPGx); PubMed 23730840 (cited by ClinPGx); PubMed 26071337 (cited by ClinPGx); PubMed 26438033 (cited by ClinPGx); PubMed 26441325 (cited by ClinPGx); PubMed 26670100 (cited by ClinPGx); PubMed 26916827 (cited by ClinPGx); PubMed 27833958 (cited by ClinPGx); PubMed 12384777 (cited by OMIM); PubMed 12436200 (cited by OMIM); PubMed 11278832 (cited by OMIM); PubMed 19631656 (cited by OMIM).